The following is an entry in ClinVar:

ClinVar aggregate classification (germline): Likely pathogenic. Review status: criteria provided, multiple submitters, no conflicts (2 of 4 stars). 2 submissions from 2 submitters: Likely pathogenic (2). Last evaluated 2025-04-01.

Conditions:
Hereditary cancer-predisposing syndrome. Also called: Neoplastic Syndromes, Hereditary; Tumor predisposition; Hereditary neoplastic syndrome; Hereditary Cancer Syndrome. Identifiers: Orphanet 140162, MedGen C0027672, MeSH D009386, MONDO:0015356.
Hereditary breast ovarian cancer syndrome. Also called: Hereditary breast and ovarian cancer syndrome; Hereditary breast and ovarian cancer syndrome (HBOC); BRCA1- and BRCA2-Associated Hereditary Breast and Ovarian Cancer; Hereditary breast and/or ovarian cancer syndrome; Hereditary breast and ovarian cancer; Breast and ovarian cancer. Identifiers: Orphanet 145, MedGen C0677776, MeSH D061325, MONDO:0003582. Disease mechanism: loss of function.

Allele frequency attached by ClinVar (database versions not stated): gnomAD exomes below 0.00001.
gnomAD v4.1: 1 of 1,613,686 alleles (0.000062%); highest among the groups gnomAD compares: Non-Finnish European, 0.000085%; no homozygotes.

Submissions (2):

Ambry Genetics
Classification: Likely pathogenic for Hereditary cancer-predisposing syndrome. Last evaluated: 2025-04-01. Review status: criteria provided, single submitter. Criteria: Ambry Variant Classification Scheme 2023. Collection method: clinical testing. Allele origin: germline.
Comment: The c.7435+2T>A intronic variant results from a T to A substitution two nucleotides after coding exon 13 in the BRCA2 gene. This nucleotide position is highly conserved in available vertebrate species. In silico splice site analysis predicts that this alteration will weaken the native splice donor site and may result in the creation or strengthening of a novel splice donor site; however, direct evidence is insufficient at this time (Ambry internal data). Alterations that disrupt the canonical splice site are expected to cause aberrant splicing, resulting in an abnormal protein or a transcript that is subject to nonsense-mediated mRNA decay. As such, this alteration is classified as likely pathogenic.

Labcorp Genetics (formerly Invitae), Labcorp
Classification: Likely pathogenic for Hereditary breast ovarian cancer syndrome. Last evaluated: 2018-03-14. Review status: criteria provided, single submitter. Criteria: Invitae Variant Classification Sherloc (09022015). Collection method: clinical testing. Allele origin: germline.
Comment: In summary, the currently available evidence indicates that the variant is pathogenic, but additional data are needed to prove that conclusively. Therefore, this variant has been classified as Likely Pathogenic. Donor and acceptor splice site variants typically lead to a loss of protein function (PMID: 16199547), and loss-of-function variants in BRCA2 are known to be pathogenic (PMID: 20104584). This variant has not been reported in the literature in individuals with BRCA2-related disease. This variant is not present in population databases (ExAC no frequency). This sequence change affects a donor splice site in intron 14 of the BRCA2 gene. It is expected to disrupt RNA splicing and likely results in an absent or disrupted protein product.

Literature cited by the submitters: PubMed 16199547 (cited by Labcorp Genetics (formerly Invitae), Labcorp); PubMed 20104584 (cited by Labcorp Genetics (formerly Invitae), Labcorp).

NM_000059.4(BRCA2):c.7435+2T>A

Gene: BRCA2 (BRCA2 DNA repair associated; plus strand). Cytogenetic location: 13q13.1.
Variant type: single nucleotide variant.
Coding change: c.7435+2T>A on transcript NM_000059.4 (MANE Select); the canonical splice donor site of the intron after coding-DNA position 7435, T replaced by A.
Molecular consequence: splice donor variant.
Genome position (GRCh38, 1-based): chr13:32,355,290, T>A. VCF-style: chr13-32355290-T-A. GRCh37 (hg19) VCF-style: chr13-32929427-T-A.
Other names: c.7435+2T>A (NM_001406720.1); c.7339+2T>A (NM_001406719.1); c.2503+2T>A (NM_001406721.1); c.1018+2T>A (NM_001406722.1).
Identifiers: ClinVar variation 581485 (VCV000581485.9), dbSNP rs1434072252, ClinGen allele CA387742150.